The following is an entry in ClinVar:

NM_000023.4(SGCA):c.446T>C (p.Leu149Pro)

Gene: SGCA (sarcoglycan alpha; plus strand). Cytogenetic location: 17q21.33.
Variant type: single nucleotide variant.
Coding change: c.446T>C on transcript NM_000023.4 (MANE Select); coding-DNA position 446, T replaced by C.
Protein change: p.Leu149Pro; replaces leucine 149 with proline.
Molecular consequence: missense variant. On other transcripts: non-coding transcript variant (1).
Genome position (GRCh38, 1-based): chr17:50,168,434, T>C. VCF-style: chr17-50168434-T-C. GRCh37 (hg19) VCF-style: chr17-48245795-T-C.
Other names: c.446T>C, p.Leu149Pro (NM_001135697.3); short protein forms L149P.
Identifiers: ClinVar variation 3896997 (VCV003896997.1).

ClinVar aggregate classification (germline): Uncertain significance (1 of 4 stars; one submission).

Conditions:
Autosomal recessive limb-girdle muscular dystrophy type 2D (LGMDR3). Also called: MUSCULAR DYSTROPHY, LIMB-GIRDLE, AUTOSOMAL RECESSIVE 3; DUCHENNE-LIKE AUTOSOMAL RECESSIVE MUSCULAR DYSTROPHY, TYPE 2; ADHALINOPATHY, PRIMARY. Identifiers: Orphanet 62, MedGen C2936332, MONDO:0011968, OMIM 608099. Disease mechanism: Affects gamma-sarcoglycan and also disrupts the integrity of the entire sarcoglycan complex..

Submission:

Kariminejad - Najmabadi Pathology & Genetics Center
Classification: Uncertain significance for Autosomal recessive limb-girdle muscular dystrophy type 2D. Last evaluated: 2016-04-16. Review status: criteria provided, single submitter. Criteria: ACMG Guidelines, 2015. Collection method: clinical testing. Allele origin: germline. Inheritance: Autosomal recessive inheritance. Affected: yes.
Comment: PM2, PM3_Supporting,PP2,PP3